The following is an entry in ClinVar:

ClinVar aggregate classification (germline): Uncertain significance (1 of 4 stars; one submission).

Conditions:
Ciliary dyskinesia, primary, 37 (CILD37). Also called: CILIARY DYSKINESIA, PRIMARY, 37, WITH OR WITHOUT SITUS INVERSUS. Identifiers: MedGen C4539798, MONDO:0033204, OMIM 617577.
Spermatogenic failure 18. Identifiers: MedGen C4539783, MONDO:0054615, OMIM 617576.

Allele frequency attached by ClinVar (database versions not stated): gnomAD exomes below 0.00001.
gnomAD v4.1: 6 of 1,601,566 alleles (0.00037%); highest among the groups gnomAD compares: South Asian, 0.0023%; no homozygotes.

Submission:

Labcorp Genetics (formerly Invitae), Labcorp
Classification: Uncertain significance for Ciliary dyskinesia, primary, 37; Spermatogenic failure 18. Last evaluated: 2022-10-10. Review status: criteria provided, single submitter. Criteria: Invitae Variant Classification Sherloc (09022015). Collection method: clinical testing. Allele origin: germline.
Comment: In summary, the available evidence is currently insufficient to determine the role of this variant in disease. Therefore, it has been classified as a Variant of Uncertain Significance. Algorithms developed to predict the effect of sequence changes on RNA splicing suggest that this variant may create or strengthen a splice site. This variant has not been reported in the literature in individuals affected with DNAH1-related conditions. This variant is present in population databases (no rsID available, gnomAD 0.03%). This sequence change affects codon 3040 of the DNAH1 mRNA. It is a 'silent' change, meaning that it does not change the encoded amino acid sequence of the DNAH1 protein.

NM_015512.5(DNAH1):c.9120G>A (p.Val3040=)

Gene: DNAH1 (dynein axonemal heavy chain 1; plus strand). Cytogenetic location: 3p21.1.
Variant type: single nucleotide variant.
Coding change: c.9120G>A on transcript NM_015512.5 (MANE Select); coding-DNA position 9120, G replaced by A.
Protein change: p.Val3040=; no amino-acid change (valine 3040 retained).
Molecular consequence: synonymous variant.
Genome position (GRCh38, 1-based): chr3:52,388,283, G>A. VCF-style: chr3-52388283-G-A. GRCh37 (hg19) VCF-style: chr3-52422299-G-A.
Identifiers: ClinVar variation 1973883 (VCV001973883.5), dbSNP rs1197779505, ClinGen allele CA433884613.